The following is an entry in ClinVar:

NM_016653.3(MAP3K20):c.1702A>G (p.Ser568Gly)

Genes: MAP3K20 (mitogen-activated protein kinase kinase kinase 20; plus strand), MAP3K20-AS1 (MAP3K20 antisense RNA 1; minus strand). Cytogenetic location: 2q31.1.
Variant type: single nucleotide variant.
Coding change: c.1702A>G on transcript NM_016653.3 (MANE Select); coding-DNA position 1702, A replaced by G.
Protein change: p.Ser568Gly; replaces serine 568 with glycine.
Molecular consequence: missense variant.
Genome position (GRCh38, 1-based): chr2:173,263,895, A>G. VCF-style: chr2-173263895-A-G. GRCh37 (hg19) VCF-style: chr2-174128623-A-G.
Other names: short protein forms S568G.
Identifiers: ClinVar variation 1934988 (VCV001934988.5), dbSNP rs768658670, ClinGen allele CA1970935.

ClinVar aggregate classification (germline): Uncertain significance (1 of 4 stars; one submission).

Allele frequency attached by ClinVar (database versions not stated): ExAC 0.00001; gnomAD exomes 0.00001.
gnomAD v4.1: 9 of 1,605,924 alleles (0.00056%); highest among the groups gnomAD compares: Admixed American, 0.0052%; no homozygotes.

Submission:

Labcorp Genetics (formerly Invitae), Labcorp
Classification: Uncertain significance. Last evaluated: 2022-11-28. Review status: criteria provided, single submitter. Criteria: Invitae Variant Classification Sherloc (09022015). Collection method: clinical testing. Allele origin: germline.
Comment: This sequence change replaces serine, which is neutral and polar, with glycine, which is neutral and non-polar, at codon 568 of the MAP3K20 protein (p.Ser568Gly). This variant is present in population databases (rs768658670, gnomAD 0.01%). This variant has not been reported in the literature in individuals affected with MAP3K20-related conditions. Experimental studies and prediction algorithms are not available or were not evaluated, and the functional significance of this variant is currently unknown. In summary, the available evidence is currently insufficient to determine the role of this variant in disease. Therefore, it has been classified as a Variant of Uncertain Significance.